The following is an entry in ClinVar:

ClinVar aggregate classification (germline): Benign (1 of 4 stars; one submission).

Conditions:
Melanoma-pancreatic cancer syndrome. Identifiers: Orphanet 404560, MedGen C1838547, MONDO:0011713, OMIM 606719. Disease mechanism: loss of function.

gnomAD v4.1: 1 of 1,612,994 alleles (0.000062%); highest among the groups gnomAD compares: East Asian, 0.0022%; no homozygotes.

Submission:

Myriad Genetics, Inc.
Classification: Benign for Melanoma-pancreatic cancer syndrome. Last evaluated: 2025-08-13. Review status: criteria provided, single submitter. Criteria: Myriad Autosomal Dominant, Autosomal Recessive and X-Linked Classification Criteria (2023). Collection method: clinical testing. Allele origin: unknown.
Comment: This variant is considered benign. This variant is a silent/synonymous amino acid change and it is not expected to impact splicing.

NM_000077.5(CDKN2A):c.99G>A (p.Glu33=)

Gene: CDKN2A (cyclin dependent kinase inhibitor 2A; minus strand). Cytogenetic location: 9p21.3.
Variant type: single nucleotide variant.
Coding change: c.99G>A on transcript NM_000077.5; coding-DNA position 99, G replaced by A.
Protein change: p.Glu33=; no amino-acid change (glutamic acid 33 retained).
Molecular consequence: synonymous variant (on NM_000077.6). On other transcripts: intron variant (2).
Genome position (GRCh38, 1-based): chr9:21,974,729, C>T on the plus strand (G>A on the coding strand, the complement: CDKN2A is on the minus strand). VCF-style: chr9-21974729-C-T. GRCh37 (hg19) VCF-style: chr9-21974728-C-T.
Other names: c.99G>A, p.Glu33= (NM_000077.6, NM_001195132.2, NM_058197.5); c.-3-3521G>A (NM_001363763.2); c.194-3521G>A (NM_058195.4).
Identifiers: ClinVar variation 4294174 (VCV004294174.1).